The following is an entry in ClinVar:

ClinVar aggregate classification (germline): Uncertain significance (1 of 4 stars; one submission).

Conditions:
PKHD1L1-related disorder. Also called: PKHD1L1-related condition.

gnomAD v4.1: 6 of 1,607,492 alleles (0.00037%); highest among the groups gnomAD compares: African/African-American, 0.0067%; no homozygotes.

Submission:

PreventionGenetics, part of Exact Sciences
Classification: Uncertain significance for PKHD1L1-related condition. Last evaluated: 2025-10-23. Review status: criteria provided, single submitter. Criteria: ACMG Guidelines, 2015. Collection method: clinical testing. Allele origin: germline.
Comment: The PKHD1L1 c.2804G>T variant is predicted to result in the amino acid substitution p.Ser935Ile. To our knowledge, this variant has not been reported in the literature or in a large population database (gnomAD), indicating this variant is rare. At this time, the clinical significance of this variant is uncertain due to the absence of conclusive functional and genetic evidence.

NM_177531.6(PKHD1L1):c.2804G>T (p.Ser935Ile)

Gene: PKHD1L1 (PKHD1 like 1; plus strand). Cytogenetic location: 8q23.1.
Variant type: single nucleotide variant.
Coding change: c.2804G>T on transcript NM_177531.6 (MANE Select); coding-DNA position 2804, G replaced by T.
Protein change: p.Ser935Ile; replaces serine 935 with isoleucine.
Molecular consequence: missense variant.
Genome position (GRCh38, 1-based): chr8:109,425,191, G>T. VCF-style: chr8-109425191-G-T. GRCh37 (hg19) VCF-style: chr8-110437420-G-T.
Other names: short protein forms S935I.
Identifiers: ClinVar variation 4985358 (VCV004985358.1).
Genomic context (GRCh38, chr8:109,425,191, plus strand): 5'-ATTGGCCAGGCGAGTCAAAAATTCATATTCAAAGAATTCAAGCTGCATCTCCACCTCTAA[G>T]TGGCAGCTTTGACATTCAAGCTTATGGACATATTCTTAAAGGTATATGAAAAAAATTTAA-3'
Protein context (NP_803875.2, residues 925-945): QRIQAASPPL[Ser935Ile]GSFDIQAYGH